The following is an entry in ClinVar:

ClinVar aggregate classification (germline): Uncertain significance (1 of 4 stars; one submission).

Conditions:
Inborn genetic diseases. Identifiers: MedGen C0950123, MeSH D030342.

Submission:

Ambry Genetics
Classification: Uncertain significance for Inborn genetic diseases. Last evaluated: 2018-02-07. Review status: criteria provided, single submitter. Criteria: Ambry Variant Classification Scheme 2023. Collection method: clinical testing. Allele origin: germline.
Comment: The p.C472S variant (also known as c.1414T>A), located in coding exon 13 of the CTSF gene, results from a T to A substitution at nucleotide position 1414. The cysteine at codon 472 is replaced by serine, an amino acid with dissimilar properties. This amino acid position is highly conserved in available vertebrate species. In addition, this alteration is predicted to be deleterious by in silico analysis. Since supporting evidence is limited at this time, the clinical significance of this alteration remains unclear.

NM_003793.4(CTSF):c.1414T>A (p.Cys472Ser)

Gene: CTSF (cathepsin F; minus strand). Cytogenetic location: 11q13.2.
Variant type: single nucleotide variant.
Coding change: c.1414T>A on transcript NM_003793.4 (MANE Select); coding-DNA position 1414, T replaced by A.
Protein change: p.Cys472Ser; replaces cysteine 472 with serine.
Molecular consequence: missense variant.
Genome position (GRCh38, 1-based): chr11:66,563,974, A>T on the plus strand (T>A on the coding strand, the complement: CTSF is on the minus strand). VCF-style: chr11-66563974-A-T. GRCh37 (hg19) VCF-style: chr11-66331445-A-T.
Other names: short protein forms C472S.
Identifiers: ClinVar variation 1772108 (VCV001772108.2), dbSNP rs2495269533, ClinGen allele CA381455412.